The following is an entry in ClinVar:

NM_001127222.2(CACNA1A):c.2456T>C (p.Leu819Ser)

Gene: CACNA1A (calcium voltage-gated channel subunit alpha1 A; minus strand). Cytogenetic location: 19p13.13.
Variant type: single nucleotide variant.
Coding change: c.2456T>C on transcript NM_001127222.2 (MANE Select); coding-DNA position 2456, T replaced by C.
Protein change: p.Leu819Ser; replaces leucine 819 with serine.
Molecular consequence: missense variant.
Genome position (GRCh38, 1-based): chr19:13,299,177, A>G on the plus strand (T>C on the coding strand, the complement: CACNA1A is on the minus strand). VCF-style: chr19-13299177-A-G. GRCh37 (hg19) VCF-style: chr19-13409991-A-G.
Other names: c.2468T>C, p.Leu823Ser (NM_000068.4, NM_023035.3); c.2459T>C, p.Leu820Ser (NM_001127221.2, NM_001174080.2); short protein forms L819S, L820S, L823S.
Identifiers: ClinVar variation 2135445 (VCV002135445.4), dbSNP rs2057737136, ClinGen allele CA404343414.

ClinVar aggregate classification (germline): Uncertain significance (1 of 4 stars; one submission).

Conditions:
Episodic ataxia type 2 (EA2). Also called: ACETAZOLAMIDE-RESPONSIVE HEREDITARY PAROXYSMAL CEREBELLAR ATAXIA; ATAXIA, EPISODIC, WITH NYSTAGMUS; ATAXIA, FAMILIAL PAROXYSMAL; CEREBELLAR ATAXIA, PAROXYSMAL, ACETAZOLAMIDE-RESPONSIVE; CEREBELLOPATHY, HEREDITARY PAROXYSMAL; EPISODIC ATAXIA, NYSTAGMUS-ASSOCIATED. Identifiers: Orphanet 97, MedGen C1720416, MONDO:0007163, OMIM 108500.
Developmental and epileptic encephalopathy, 42 (DEE42A). Also called: EPILEPTIC ENCEPHALOPATHY, EARLY INFANTILE, 42A; DEVELOPMENTAL AND EPILEPTIC ENCEPHALOPATHY 42A; Epileptic encephalopathy, early infantile, 42. Identifiers: MedGen C4310716, MONDO:0014917, OMIM 617106.

Allele frequency attached by ClinVar (database versions not stated): TOPMed below 0.00001.

Submission:

Labcorp Genetics (formerly Invitae), Labcorp
Classification: Uncertain significance for Developmental and epileptic encephalopathy, 42; Episodic ataxia type 2. Last evaluated: 2022-05-08. Review status: criteria provided, single submitter. Criteria: Invitae Variant Classification Sherloc (09022015). Collection method: clinical testing. Allele origin: germline.
Comment: This variant is not present in population databases (gnomAD no frequency). In summary, the available evidence is currently insufficient to determine the role of this variant in disease. Therefore, it has been classified as a Variant of Uncertain Significance. Advanced modeling of protein sequence and biophysical properties (such as structural, functional, and spatial information, amino acid conservation, physicochemical variation, residue mobility, and thermodynamic stability) performed at Invitae indicates that this missense variant is not expected to disrupt CACNA1A protein function. This variant has not been reported in the literature in individuals affected with CACNA1A-related conditions. This sequence change replaces leucine, which is neutral and non-polar, with serine, which is neutral and polar, at codon 820 of the CACNA1A protein (p.Leu820Ser).